The following is an entry in ClinVar:

ClinVar aggregate classification (germline): Uncertain significance. Review status: criteria provided, multiple submitters, no conflicts (2 of 4 stars). 2 submissions from 2 submitters: Uncertain significance (2). Last evaluated 2025-06-04.

Conditions:
Paroxysmal nonkinesigenic dyskinesia. Also called: Paroxysmal non-kinesigenic dyskinesia. Identifiers: Orphanet 98810, MedGen C1869117, MONDO:0700088.
Paroxysmal nonkinesigenic dyskinesia 1 (PNKD1). Also called: MOUNT-REBACK SYNDROME; Familial Paroxysmal Nonkinesigenic Dyskinesia; DYSTONIA 8; PAROXYSMAL DYSTONIC CHOREOATHETOSIS; Nonkinesigenic choreoathetosis; Familial paroxysmal choreoathetosis. Identifiers: Orphanet 98810, MedGen C4551506, MONDO:0700089, OMIM 118800, MONDO:0007326.

Allele frequency attached by ClinVar (database versions not stated): TOPMed 0.00001; gnomAD exomes below 0.00001.
gnomAD v4.1: 4 of 1,597,930 alleles (0.00025%); highest among the groups gnomAD compares: Admixed American, 0.0017%; no homozygotes.

Submissions (2):

Labcorp Genetics (formerly Invitae), Labcorp
Classification: Uncertain significance for Paroxysmal nonkinesigenic dyskinesia. Last evaluated: 2025-06-04. Review status: criteria provided, single submitter. Criteria: Invitae Variant Classification Sherloc (09022015). Collection method: clinical testing. Allele origin: germline.
Comment: This sequence change falls in intron 4 of the PNKD gene. It does not directly change the encoded amino acid sequence of the PNKD protein. It affects a nucleotide within the consensus splice site. This variant is present in population databases (no rsID available, gnomAD 0.003%). This variant has not been reported in the literature in individuals affected with PNKD-related conditions. ClinVar contains an entry for this variant (Variation ID: 1062866). Variants that disrupt the consensus splice site are a relatively common cause of aberrant splicing (PMID: 17576681, 9536098). Algorithms developed to predict the effect of sequence changes on RNA splicing suggest that this variant is not likely to affect RNA splicing. In summary, the available evidence is currently insufficient to determine the role of this variant in disease. Therefore, it has been classified as a Variant of Uncertain Significance.

Revvity Omics, Revvity
Classification: Uncertain significance for Paroxysmal nonkinesigenic dyskinesia 1. Last evaluated: 2020-11-09. Review status: criteria provided, single submitter. Criteria: ACMG Guidelines, 2015. Collection method: clinical testing. Allele origin: germline.

Literature cited by the submitters: PubMed 17576681 (cited by Labcorp Genetics (formerly Invitae), Labcorp); PubMed 9536098 (cited by Labcorp Genetics (formerly Invitae), Labcorp).

NM_015488.5(PNKD):c.465+3G>A

Genes: PNKD (PNKD metallo-beta-lactamase domain containing; plus strand), CATIP-AS2 (CATIP antisense RNA 2; minus strand). Cytogenetic location: 2q35.
Variant type: single nucleotide variant.
Coding change: c.465+3G>A on transcript NM_015488.5 (MANE Select); 3 bases into the intron after coding-DNA position 465, G replaced by A.
Molecular consequence: intron variant.
Genome position (GRCh38, 1-based): chr2:218,340,144, G>A. VCF-style: chr2-218340144-G-A. GRCh37 (hg19) VCF-style: chr2-219204867-G-A.
Other names: c.393+3G>A (NM_022572.4).
Identifiers: ClinVar variation 1062866 (VCV001062866.9), dbSNP rs1313298373, ClinGen allele CA539839229.